The following is an entry in ClinVar:

NM_006059.4(LAMC3):c.1274G>A (p.Gly425Glu)

Gene: LAMC3 (laminin subunit gamma 3; plus strand). Cytogenetic location: 9q34.12.
Variant type: single nucleotide variant.
Coding change: c.1274G>A on transcript NM_006059.4 (MANE Select); coding-DNA position 1274, G replaced by A.
Protein change: p.Gly425Glu; replaces glycine 425 with glutamic acid.
Molecular consequence: missense variant.
Genome position (GRCh38, 1-based): chr9:131,039,239, G>A. VCF-style: chr9-131039239-G-A. GRCh37 (hg19) VCF-style: chr9-133914626-G-A.
Other names: c.1274G>A (NM_006059.3); short protein forms G425E.
Identifiers: ClinVar variation 1353576 (VCV001353576.4), dbSNP rs201638913, ClinGen allele CA5287006.

ClinVar aggregate classification (germline): Uncertain significance. Review status: criteria provided, multiple submitters, no conflicts (2 of 4 stars). 2 submissions from 2 submitters: Uncertain significance (2). Last evaluated 2023-12-18.

Conditions:
Inborn genetic diseases. Identifiers: MedGen C0950123, MeSH D030342.

Allele frequency attached by ClinVar (database versions not stated): ExAC 0.00001; gnomAD 0.00004 and 0.00005; TOPMed 0.00012; 1000 Genomes Project 0.00020; 1000 Genomes Project 30x 0.00031.
gnomAD v4.1: 9 of 1,604,696 alleles (0.00056%); highest among the groups gnomAD compares: Admixed American, 0.015%; no homozygotes.

Submissions (2):

Ambry Genetics
Classification: Uncertain significance for Inborn genetic diseases. Last evaluated: 2023-12-18. Review status: criteria provided, single submitter. Criteria: Ambry Variant Classification Scheme 2023. Collection method: clinical testing. Allele origin: germline.

Labcorp Genetics (formerly Invitae), Labcorp
Classification: Uncertain significance. Last evaluated: 2022-09-07. Review status: criteria provided, single submitter. Criteria: Invitae Variant Classification Sherloc (09022015). Collection method: clinical testing. Allele origin: germline.
Comment: This sequence change replaces glycine, which is neutral and non-polar, with glutamic acid, which is acidic and polar, at codon 425 of the LAMC3 protein (p.Gly425Glu). The frequency data for this variant in the population databases is considered unreliable, as metrics indicate poor data quality at this position in the gnomAD database. This variant has not been reported in the literature in individuals affected with LAMC3-related conditions. ClinVar contains an entry for this variant (Variation ID: 1353576). Algorithms developed to predict the effect of missense changes on protein structure and function are either unavailable or do not agree on the potential impact of this missense change (SIFT: "Tolerated"; PolyPhen-2: "Probably Damaging"; Align-GVGD: "Class C0"). In summary, the available evidence is currently insufficient to determine the role of this variant in disease. Therefore, it has been classified as a Variant of Uncertain Significance.